The following is an entry in ClinVar:

ClinVar aggregate classification (germline): Uncertain significance (1 of 4 stars; one submission).

gnomAD v4.1: 1 of 1,613,774 alleles (0.000062%); highest among the groups gnomAD compares: Non-Finnish European, 0.000085%; no homozygotes.

Submission:

GeneDx
Classification: Uncertain significance. Last evaluated: 2023-11-15. Review status: criteria provided, single submitter. Criteria: GeneDx Variant Classification Process June 2021. Collection method: clinical testing. Allele origin: germline. Affected: yes.
Comment: Not observed at significant frequency in large population cohorts (gnomAD); In silico analysis supports that this missense variant has a deleterious effect on protein structure/function; Has not been previously published as pathogenic or benign to our knowledge

NM_001105206.3(LAMA4):c.2466T>G (p.Ile822Met)

Gene: LAMA4 (laminin subunit alpha 4; minus strand). Cytogenetic location: 6q21.
Variant type: single nucleotide variant.
Coding change: c.2466T>G on transcript NM_001105206.3 (MANE Select); coding-DNA position 2466, T replaced by G.
Protein change: p.Ile822Met; replaces isoleucine 822 with methionine.
Molecular consequence: missense variant.
Genome position (GRCh38, 1-based): chr6:112,144,821, A>C on the plus strand (T>G on the coding strand, the complement: LAMA4 is on the minus strand). VCF-style: chr6-112144821-A-C. GRCh37 (hg19) VCF-style: chr6-112466023-A-C.
Other names: c.2445T>G, p.Ile815Met (NM_001105207.3, NM_002290.5); short protein forms I815M, I822M.
Identifiers: ClinVar variation 3364089 (VCV003364089.1).
Genomic context (GRCh38, chr6:112,144,821, plus strand): 5'-GCTGACTGACTGATGAGTCTTTTCATCAGTTACCTTGCTGGCAACACTTCTGGTCTGAGC[A>C]ATGAGCTCTCGGATCCTCTGGATGCTGGCAGAAACGTTGCTTGCAGGTCGCTTCTGCTCA-3'
Protein context (NP_001098676.2, residues 812-832): SASIQRIREL[Ile822Met]AQTRSVASKI